The following is an entry in ClinVar:

ClinVar aggregate classification (germline): Benign/Likely benign. Review status: criteria provided, multiple submitters, no conflicts (2 of 4 stars). 2 submissions from 2 submitters: Benign (1); Likely benign (1). Last evaluated 2025-12-04.

Conditions:
Dubin-Johnson syndrome (DJS). Also called: Jaundice, Chronic Idiopathic; Hyperbilirubinemia type 2; HYPERBILIRUBINEMIA, DUBIN-JOHNSON TYPE. Identifiers: Orphanet 234, MedGen C0022350, MONDO:0009380, OMIM 237500.

Allele frequency attached by ClinVar (database versions not stated): gnomAD exomes 0.00028; ExAC 0.00040; 1000 Genomes Project 30x 0.00078; 1000 Genomes Project 0.00080; ESP Exome Variant Server 0.00092; gnomAD 0.00096 and 0.00107; TOPMed 0.00111.
gnomAD v4.1: 253 of 1,614,040 alleles (0.016%); highest among the groups gnomAD compares: African/African-American, 0.3%; no homozygotes.

Submissions (2):

Labcorp Genetics (formerly Invitae), Labcorp
Classification: Benign. Last evaluated: 2025-12-04. Review status: criteria provided, single submitter. Criteria: Invitae Variant Classification Sherloc (09022015). Collection method: clinical testing. Allele origin: germline.

Illumina Laboratory Services, Illumina
Classification: Likely benign for Dubin-Johnson syndrome. Last evaluated: 2018-01-12. Review status: criteria provided, single submitter. Criteria: ICSL Variant Classification Criteria 13 December 2019. Collection method: clinical testing. Allele origin: germline.
Comment: This variant was observed in the ICSL laboratory as part of a predisposition screen in an ostensibly healthy population. It had not been previously curated by ICSL or reported in the Human Gene Mutation Database (HGMD: prior to June 1st, 2018), and was therefore a candidate for classification through an automated scoring system. Utilizing variant allele frequency, disease prevalence and penetrance estimates, and inheritance mode, an automated score was calculated to assess if this variant is too frequent to cause the disease. Based on the score and internal cut-off values, a variant classified as likely benign is not then subjected to further curation. The score for this variant resulted in a classification of likely benign for this disease.

NM_000392.5(ABCC2):c.4313+11A>C

Gene: ABCC2 (ATP binding cassette subfamily C member 2; plus strand). Cytogenetic location: 10q24.2.
Variant type: single nucleotide variant.
Coding change: c.4313+11A>C on transcript NM_000392.5 (MANE Select); 11 bases into the intron after coding-DNA position 4313, A replaced by C.
Molecular consequence: intron variant.
Genome position (GRCh38, 1-based): chr10:99,847,138, A>C. VCF-style: chr10-99847138-A-C. GRCh37 (hg19) VCF-style: chr10-101606895-A-C.
Identifiers: ClinVar variation 878074 (VCV000878074.7), dbSNP rs17222681, ClinGen allele CA5644096.